The following is an entry in ClinVar:

NM_004260.4(RECQL4):c.2148C>G (p.Ile716Met)

Gene: RECQL4 (RecQ like helicase 4; minus strand). Cytogenetic location: 8q24.3.
Variant type: single nucleotide variant.
Coding change: c.2148C>G on transcript NM_004260.4 (MANE Select); coding-DNA position 2148, C replaced by G.
Protein change: p.Ile716Met; replaces isoleucine 716 with methionine.
Molecular consequence: missense variant.
Genome position (GRCh38, 1-based): chr8:144,513,623, G>C on the plus strand (C>G on the coding strand, the complement: RECQL4 is on the minus strand). VCF-style: chr8-144513623-G-C. GRCh37 (hg19) VCF-style: chr8-145739007-G-C.
Other names: short protein forms I716M.
Identifiers: ClinVar variation 459382 (VCV000459382.16), dbSNP rs772168426, ClinGen allele CA187683601.

ClinVar aggregate classification (germline): Uncertain significance. Review status: criteria provided, multiple submitters, no conflicts (2 of 4 stars). 4 submissions from 4 submitters: Uncertain significance (4). Last evaluated 2025-08-29.

Conditions:
Rapadilino syndrome. Identifiers: Orphanet 3021, MedGen C1849453, MONDO:0009955, OMIM 266280.
Baller-Gerold syndrome (BGS). Also called: CRANIOSYNOSTOSIS WITH RADIAL DEFECTS. Identifiers: Orphanet 1225, MedGen C0265308, MONDO:0009039, OMIM 218600.
Rothmund-Thomson syndrome type 2 (RTS2). Identifiers: Orphanet 221016, MedGen C5203410, MONDO:0016369, OMIM 268400.
Inborn genetic diseases. Identifiers: MedGen C0950123, MeSH D030342.

Allele frequency attached by ClinVar (database versions not stated): TOPMed 0.00003.

Submissions (4):

Labcorp Genetics (formerly Invitae), Labcorp
Classification: Uncertain significance for Baller-Gerold syndrome. Last evaluated: 2025-08-29. Review status: criteria provided, single submitter. Criteria: Invitae Variant Classification Sherloc (09022015). Collection method: clinical testing. Allele origin: germline.
Comment: This sequence change replaces isoleucine, which is neutral and non-polar, with methionine, which is neutral and non-polar, at codon 716 of the RECQL4 protein (p.Ile716Met). This variant is present in population databases (no rsID available, gnomAD 0.006%). This variant has not been reported in the literature in individuals affected with RECQL4-related conditions. ClinVar contains an entry for this variant (Variation ID: 459382). Invitae Evidence Modeling of protein sequence and biophysical properties (such as structural, functional, and spatial information, amino acid conservation, physicochemical variation, residue mobility, and thermodynamic stability) indicates that this missense variant is not expected to disrupt RECQL4 protein function with a negative predictive value of 80%. In summary, the available evidence is currently insufficient to determine the role of this variant in disease. Therefore, it has been classified as a Variant of Uncertain Significance.

Ambry Genetics
Classification: Uncertain significance for Inborn genetic diseases. Last evaluated: 2025-04-08. Review status: criteria provided, single submitter. Criteria: Ambry Variant Classification Scheme 2023. Collection method: clinical testing. Allele origin: germline.

Fulgent Genetics
Classification: Uncertain significance for Baller-Gerold syndrome; Rapadilino syndrome; Rothmund-Thomson syndrome type 2. Last evaluated: 2022-05-13. Review status: criteria provided, single submitter. Criteria: ACMG Guidelines, 2015. Collection method: clinical testing. Allele origin: unknown.

Institute for Clinical Genetics, University Hospital TU Dresden, University Hospital TU Dresden
Classification: Uncertain significance. Last evaluated: 2021-11-03. Review status: criteria provided, single submitter. Criteria: ACMG Guidelines, 2015. Collection method: clinical testing. Allele origin: germline.